The following is an entry in ClinVar:

NM_001103.4(ACTN2):c.1657-16T>C

Gene: ACTN2 (actinin alpha 2; plus strand). Cytogenetic location: 1q43.
Variant type: single nucleotide variant.
Coding change: c.1657-16T>C on transcript NM_001103.4 (MANE Select); 16 bases into the intron before coding-DNA position 1657, T replaced by C.
Molecular consequence: intron variant.
Genome position (GRCh38, 1-based): chr1:236,751,454, T>C. VCF-style: chr1-236751454-T-C. GRCh37 (hg19) VCF-style: chr1-236914754-T-C.
Other names: c.1033-16T>C (NM_001278344.2); c.1657-16T>C (NM_001278343.2).
Identifiers: ClinVar variation 201623 (VCV000201623.17), dbSNP rs148194175, ClinGen allele CA334999.

ClinVar aggregate classification (germline): Benign/Likely benign. Review status: criteria provided, multiple submitters, no conflicts (2 of 4 stars). 9 submissions from 9 submitters: Benign (4); Likely benign (1). 4 of the submissions do not count toward it. Last evaluated 2026-02-03.

Conditions:
Primary familial hypertrophic cardiomyopathy (HCM). Identifiers: Orphanet 99739, MedGen C0949658, MeSH D024741, MONDO:0024573. Inheritance: Various modes of inheritance.
Dilated cardiomyopathy 1AA (CMD1AA). Also called: CARDIOMYOPATHY, DILATED, 1AA, WITH OR WITHOUT LEFT VENTRICULAR NONCOMPACTION; CARDIOMYOPATHY, FAMILIAL HYPERTROPHIC, 23, WITH OR WITHOUT LEFT VENTRICULAR NONCOMPACTION; Cardiomyopathy, dilated, 1AA, with or without LVNC. Identifiers: Orphanet 154, MedGen C2677338, MONDO:0012808, OMIM 612158.

Allele frequency attached by ClinVar (database versions not stated): TOPMed 0.00088; ESP Exome Variant Server 0.00092; gnomAD 0.00095; gnomAD exomes 0.00101 and 0.00149; 1000 Genomes Project 30x 0.00109; ExAC 0.00110; 1000 Genomes Project 0.00120.
gnomAD v4.1: 2,312 of 1,613,822 alleles (0.14%); highest among the groups gnomAD compares: Middle Eastern, 0.25%; 3 homozygotes.

Submissions (9):

Labcorp Genetics (formerly Invitae), Labcorp
Classification: Benign for Primary familial hypertrophic cardiomyopathy; Dilated cardiomyopathy 1AA. Last evaluated: 2026-02-03. Review status: criteria provided, single submitter. Criteria: Invitae Variant Classification Sherloc (09022015). Collection method: clinical testing. Allele origin: germline.

Blueprint Genetics
Classification: Likely benign. Last evaluated: 2024-11-25. Review status: criteria provided, single submitter. Criteria: ACMG Guidelines, 2015. Collection method: clinical testing. Allele origin: germline.

ARUP Laboratories, Molecular Genetics and Genomics, ARUP Laboratories
Classification: Benign. Last evaluated: 2022-10-20. Review status: criteria provided, single submitter. Criteria: ARUP Molecular Germline Variant Investigation Process 2021. Collection method: clinical testing. Allele origin: germline.

Women's Health and Genetics/Laboratory Corporation of America, LabCorp
Classification: Benign. Last evaluated: 2019-11-25. Review status: criteria provided, single submitter. Criteria: LabCorp Variant Classification Summary - May 2015. Collection method: clinical testing. Allele origin: germline.
Comment: Variant summary: ACTN2 c.1657-16T>C alters a non-conserved nucleotide located close to a canonical splice site and therefore could affect mRNA splicing, leading to a significantly altered protein sequence. 5/5 computational tools predict no significant impact on normal splicing. However, these predictions have yet to be confirmed by functional studies. The variant allele was found at a frequency of 0.001 in 250850 control chromosomes, predominantly at a frequency of 0.0019 within the Non-Finnish European subpopulation in the gnomAD database. The observed variant frequency within Non-Finnish European control individuals in the gnomAD database is approximately 76-fold the estimated maximal expected allele frequency for a pathogenic variant in ACTN2 causing Cardiomyopathy phenotype (2.5e-05), strongly suggesting that the variant is a benign polymorphism found primarily in populations of Non-Finnish European origin. To our knowledge, no occurrence of c.1657-16T>C in individuals affected with Cardiomyopathy and no experimental evidence demonstrating its impact on protein function have been reported. No clinical diagnostic laboratories have submitted clinical-significance assessments for this variant to ClinVar after 2014. Based on the evidence outlined above, the variant was classified as benign.

GeneDx
Classification: Benign. Last evaluated: 2014-06-16. Review status: criteria provided, single submitter. Criteria: GeneDx Variant Classification (06012015). Collection method: clinical testing. Allele origin: germline. Affected: yes.
Comment: This variant is considered likely benign or benign based on one or more of the following criteria: it is a conservative change, it occurs at a poorly conserved position in the protein, it is predicted to be benign by multiple in silico algorithms, and/or has population frequency not consistent with disease.

Clinical Genetics DNA and cytogenetics Diagnostics Lab, Erasmus MC, Erasmus Medical Center
Classification: Benign. Review status: no assertion criteria provided. Collection method: clinical testing. Allele origin: germline. Affected: yes. Study: VKGL Data-share Consensus. Not counted in ClinVar's aggregate classification.

Clinical Genetics, Academic Medical Center
Classification: Benign. Review status: no assertion criteria provided. Collection method: clinical testing. Allele origin: germline. Affected: yes. Study: VKGL Data-share Consensus. Not counted in ClinVar's aggregate classification.

Diagnostic Laboratory, Department of Genetics, University Medical Center Groningen
Classification: Likely benign for Dilated cardiomyopathy 1AA. Review status: no assertion criteria provided. Collection method: clinical testing. Allele origin: germline. Affected: yes. Study: VKGL Data-share Consensus. Not counted in ClinVar's aggregate classification.

Joint Genome Diagnostic Labs from Nijmegen and Maastricht, Radboudumc and MUMC+
Classification: Benign. Review status: no assertion criteria provided. Collection method: clinical testing. Allele origin: germline. Affected: yes. Study: VKGL Data-share Consensus. Not counted in ClinVar's aggregate classification.